The following is an entry in ClinVar:

NM_015443.4(KANSL1):c.385C>T (p.Pro129Ser)

Gene: KANSL1 (KAT8 regulatory NSL complex subunit 1). Cytogenetic location: 17q21.31.
Variant type: single nucleotide variant.
Coding change: c.385C>T on transcript NM_015443.4 (MANE Select); coding-DNA position 385, C replaced by T.
Protein change: p.Pro129Ser; replaces proline 129 with serine.
Molecular consequence: missense variant. On other transcripts: intron variant (4).
Genome position (GRCh38, 1-based): chr17:46,171,759, G>A on the plus strand (C>T on the coding strand, the complement: KANSL1 is on the minus strand). VCF-style: chr17-46171759-G-A. GRCh37 (hg19) VCF-style: chr17-44249125-G-A.
Other names: c.385C>T, p.Pro129Ser (NM_001193465.2, NM_001193466.2, NM_001379198.1 and 18 more transcripts); c.23+51912C>T (NM_001405885.1, NM_001405884.1, NM_001405883.1 and 1 more transcripts); short protein forms P129S.
Identifiers: ClinVar variation 2633104 (VCV002633104.1), dbSNP rs2147748223, ClinGen allele CA399982029.

ClinVar aggregate classification (germline): Uncertain significance (1 of 4 stars; one submission).

Conditions:
KANSL1-related disorder. Also called: KANSL1-related condition.

Allele frequency attached by ClinVar (database versions not stated): gnomAD exomes below 0.00001.
gnomAD v4.1: 2 of 1,592,242 alleles (0.00013%); highest among the groups gnomAD compares: Admixed American, 0.0018%; no homozygotes.

Submission:

PreventionGenetics, part of Exact Sciences
Classification: Uncertain significance for KANSL1-related condition. Last evaluated: 2023-05-15. Review status: criteria provided, single submitter. Criteria: ACMG Guidelines, 2015. Collection method: clinical testing. Allele origin: germline.
Comment: The KANSL1 c.385C>T variant is predicted to result in the amino acid substitution p.Pro129Ser. To our knowledge, this variant has not been reported in the literature or in a large population database, indicating this variant is rare. At this time, the clinical significance of this variant is uncertain due to the absence of conclusive functional and genetic evidence.